The following is an entry in ClinVar:

ClinVar aggregate classification (germline): Uncertain significance (1 of 4 stars; one submission).

Conditions:
Coffin-Siris syndrome 1 (CSS1). Also called: ARID1B-Related Coffin-Siris Syndrome; Mental retardation, autosomal dominant 12. Identifiers: Orphanet 1465, MedGen C3281201, MONDO:0007617, OMIM 135900. Disease mechanism: gain of function.

Submission:

Pittsburgh Clinical Genomics Laboratory, University of Pittsburgh Medical Center
Classification: Uncertain significance for Coffin-Siris syndrome 1. Last evaluated: 2023-05-19. Review status: criteria provided, single submitter. Criteria: ACMG Guidelines, 2015. Collection method: clinical testing. Allele origin: germline. Inheritance: Autosomal dominant inheritance. Affected: yes.
Comment: This sequence variant is a 9-nucleotide deletion (delGGGCCCCGG) at position 1144 through 1152 of the coding sequence of the ARID1B gene that results in the in-frame deletion of residues Pro382 through Gly384 of the ARID1B encoded protein, AT-rich interaction domain-containing protein 1B. The deleted residues fall in AT-rich interaction domain-containing protein 1B's disordered domain (Uniprot). This variant is absent from a database of clinically annotated variants (ClinVar) and the gnomAD population database (0 of approximately 25,000 alleles). To our knowledge, this variant has not been observed in an individual with an ARID1B-related disorder in the published literature. Predictions from bioinformatic tools are not available for this variant. Studies examining the functiol consequence of this variant have not been published, to our knowledge. Based upon the evidence, we consider this a variant of uncertain significance. ACMG Criteria: BP3, PM2

NM_001374828.1(ARID1B):c.1393_1401del (p.Pro465_Gly467del)

Gene: ARID1B (AT-rich interaction domain 1B; plus strand). Cytogenetic location: 6q25.3.
Variant type: Deletion.
Coding change: c.1393_1401del on transcript NM_001374828.1 (MANE Select); coding-DNA positions 1393 to 1401, 9 bases deleted (CCCGGGGGC; older notation c.1393_1401delCCCGGGGGC).
Protein change: p.Pro465_Gly467del.
Genome position (GRCh38, 1-based): chr6:156,779,073-156,779,081, CCCGGGGGC deleted; deleting any 9 consecutive bases within chr6:156,779,069-156,779,081 gives the same sequence; the c. name uses the placement nearest the transcript's 3' end. VCF-style (leftmost placement, unchanged base first): chr6-156779068-TGGGCCCCGG-T. GRCh37 (hg19) VCF-style: chr6-157100202-TGGGCCCCGG-T.
Other names: c.1393_1401del, p.Pro465_Gly467del (NM_001371656.1, NM_001374820.1, NM_017519.3); c.1144_1152del (NM_020732.3).
Identifiers: ClinVar variation 3376324 (VCV003376324.1).